The following is an entry in ClinVar:

NM_001318510.2(ACSL4):c.823A>G (p.Ile275Val)

Gene: ACSL4 (acyl-CoA synthetase long chain family member 4; minus strand). Cytogenetic location: Xq23.
Variant type: single nucleotide variant.
Coding change: c.823A>G on transcript NM_001318510.2 (MANE Select); coding-DNA position 823, A replaced by G.
Protein change: p.Ile275Val; replaces isoleucine 275 with valine.
Molecular consequence: missense variant.
Genome position (GRCh38, 1-based): chrX:109,678,095, T>C on the plus strand (A>G on the coding strand, the complement: ACSL4 is on the minus strand). VCF-style: chrX-109678095-T-C. GRCh37 (hg19) VCF-style: chrX-108921324-T-C.
Other names: c.946A>G, p.Ile316Val (NM_001318509.2, NM_022977.3); c.823A>G, p.Ile275Val (NM_004458.3); short protein forms I316V, I275V.
Identifiers: ClinVar variation 1762576 (VCV001762576.7), dbSNP rs2521177673, ClinGen allele CA414217430.

ClinVar aggregate classification (germline): Conflicting classifications of pathogenicity. Review status: criteria provided, conflicting classifications (1 of 4 stars). 2 submissions from 2 submitters: Uncertain significance (1); Likely benign (1). Last evaluated 2022-02-11.

Conditions:
Inborn genetic diseases. Identifiers: MedGen C0950123, MeSH D030342.

Submissions (2):

Labcorp Genetics (formerly Invitae), Labcorp
Classification: Uncertain significance. Last evaluated: 2022-02-11. Review status: criteria provided, single submitter. Criteria: Invitae Variant Classification Sherloc (09022015). Collection method: clinical testing. Allele origin: germline.
Comment: In summary, the available evidence is currently insufficient to determine the role of this variant in disease. Therefore, it has been classified as a Variant of Uncertain Significance. Algorithms developed to predict the effect of missense changes on protein structure and function are either unavailable or do not agree on the potential impact of this missense change (SIFT: "Deleterious"; PolyPhen-2: "Benign"; Align-GVGD: "Class C25"). This variant has not been reported in the literature in individuals affected with ACSL4-related conditions. This variant is not present in population databases (gnomAD no frequency). This sequence change replaces isoleucine, which is neutral and non-polar, with valine, which is neutral and non-polar, at codon 275 of the ACSL4 protein (p.Ile275Val).

Ambry Genetics
Classification: Likely benign for Inborn genetic diseases. Last evaluated: 2016-09-22. Review status: criteria provided, single submitter. Criteria: Ambry Variant Classification Scheme 2023. Collection method: clinical testing. Allele origin: germline.